The following is an entry in ClinVar:

NM_001843.4(CNTN1):c.2100A>G (p.Lys700=)

Gene: CNTN1 (contactin 1; plus strand). Cytogenetic location: 12q12.
Variant type: single nucleotide variant.
Coding change: c.2100A>G on transcript NM_001843.4 (MANE Select); coding-DNA position 2100, A replaced by G.
Protein change: p.Lys700=; no amino-acid change (lysine 700 retained).
Molecular consequence: synonymous variant.
Genome position (GRCh38, 1-based): chr12:40,993,256, A>G. VCF-style: chr12-40993256-A-G. GRCh37 (hg19) VCF-style: chr12-41387058-A-G.
Other names: c.2067A>G, p.Lys689= (NM_175038.2).
Identifiers: ClinVar variation 511267 (VCV000511267.1), dbSNP rs1555195505, ClinGen allele CA479348692.
Genomic context (GRCh38, chr12:40,993,256, plus strand): 5'-CGTGGTAGCAACCAATACACTGGGTAGAGGAGAGCCCAGTATACCATCTAACAGAATTAA[A>G]ACAGACGGTGCTGGTATGTATATACAAGAAACTTGAAATTTTAAAAGATTTCTAAATACA-3'
Protein context (NP_001834.2, residues 690-710): GEPSIPSNRI[Lys700=]TDGAAPNVAP

ClinVar aggregate classification (germline): Likely benign (1 of 4 stars; one submission).

Submission:

GeneDx
Classification: Likely benign. Last evaluated: 2017-08-01. Review status: criteria provided, single submitter. Criteria: GeneDx Variant Classification (06012015). Collection method: clinical testing. Allele origin: germline. Affected: yes.
Comment: This variant is considered likely benign or benign based on one or more of the following criteria: it is a conservative change, it occurs at a poorly conserved position in the protein, it is predicted to be benign by multiple in silico algorithms, and/or has population frequency not consistent with disease.